The following is an entry in ClinVar:

NM_003119.4(SPG7):c.1363A>C (p.Thr455Pro)

Gene: SPG7 (SPG7 matrix AAA peptidase subunit, paraplegin; plus strand). Cytogenetic location: 16q24.3.
Variant type: single nucleotide variant.
Coding change: c.1363A>C on transcript NM_003119.4 (MANE Select); coding-DNA position 1363, A replaced by C.
Protein change: p.Thr455Pro; replaces threonine 455 with proline.
Molecular consequence: missense variant.
Genome position (GRCh38, 1-based): chr16:89,544,686, A>C. VCF-style: chr16-89544686-A-C. GRCh37 (hg19) VCF-style: chr16-89611094-A-C.
Other names: c.1363A>C, p.Thr455Pro (NM_001363850.1); short protein forms T455P.
Identifiers: ClinVar variation 1460616 (VCV001460616.6), dbSNP rs2152409117, ClinGen allele CA397425189.

ClinVar aggregate classification (germline): Uncertain significance (1 of 4 stars; one submission).

Conditions:
Hereditary spastic paraplegia 7 (SPG7). Also called: Autosomal recessive spastic paraplegia type 7; SPG7-related neurologic disorder; SPASTIC PARAPLEGIA 7, AUTOSOMAL RECESSIVE, WITH OR WITHOUT CEREBELLAR ATAXIA; Spastic paraplegia 7; Hereditary spastic paraplegia Paraplegin type. Identifiers: Orphanet 99013, MedGen C1846564, MONDO:0011803, OMIM 607259.

Submission:

Labcorp Genetics (formerly Invitae), Labcorp
Classification: Uncertain significance for Hereditary spastic paraplegia 7. Last evaluated: 2021-09-29. Review status: criteria provided, single submitter. Criteria: Invitae Variant Classification Sherloc (09022015). Collection method: clinical testing. Allele origin: germline.
Comment: In summary, the available evidence is currently insufficient to determine the role of this variant in disease. Therefore, it has been classified as a Variant of Uncertain Significance. Advanced modeling of protein sequence and biophysical properties (such as structural, functional, and spatial information, amino acid conservation, physicochemical variation, residue mobility, and thermodynamic stability) performed at Invitae indicates that this missense variant is expected to disrupt SPG7 protein function. This variant has not been reported in the literature in individuals affected with SPG7-related conditions. This variant is not present in population databases (ExAC no frequency). This sequence change replaces threonine with proline at codon 455 of the SPG7 protein (p.Thr455Pro). The threonine residue is highly conserved and there is a small physicochemical difference between threonine and proline.